The following is an entry in ClinVar:

ClinVar aggregate classification (germline): Likely benign (1 of 4 stars; one submission).

Allele frequency attached by ClinVar (database versions not stated): ExAC 0.00436.

Submission:

CeGaT Center for Human Genetics Tuebingen
Classification: Likely benign. Last evaluated: 2023-11-01. Review status: criteria provided, single submitter. Criteria: CeGaT Center For Human Genetics Tuebingen Variant Classification Criteria Version 2. Collection method: clinical testing. Allele origin: germline. Affected: yes. Observed: 5 variant alleles.
Comment: CCL4L2: BS2; TBC1D3C: BS2

NM_207007.4(CCL4L1):c.192-69G>C

Genes: CCL4L1 (C-C motif chemokine ligand 4 like 1; plus strand), CCL4L2 (C-C motif chemokine ligand 4 like 2; plus strand). Cytogenetic location: 17q12.
Variant type: single nucleotide variant.
Coding change: c.192-69G>C on transcript NM_207007.4 (MANE Select); 69 bases into the intron before coding-DNA position 192, G replaced by C.
Molecular consequence: intron variant.
Genome position (GRCh38, 1-based): chr17:268,116, G>C. VCF-style: chr17-268116-G-C. GRCh37 (hg19) VCF-style: chr17-34641381-G-C.
Identifiers: ClinVar variation 2647684 (VCV002647684.19), dbSNP rs1597769046, ClinGen allele CA8510540.